The following is an entry in ClinVar:

NM_000428.3(LTBP2):c.155G>T (p.Arg52Leu)

Gene: LTBP2 (latent transforming growth factor beta binding protein 2; minus strand). Cytogenetic location: 14q24.3.
Variant type: single nucleotide variant.
Coding change: c.155G>T on transcript NM_000428.3 (MANE Select); coding-DNA position 155, G replaced by T.
Protein change: p.Arg52Leu; replaces arginine 52 with leucine.
Molecular consequence: missense variant.
Genome position (GRCh38, 1-based): chr14:74,611,790, C>A on the plus strand (G>T on the coding strand, the complement: LTBP2 is on the minus strand). VCF-style: chr14-74611790-C-A. GRCh37 (hg19) VCF-style: chr14-75078493-C-A.
Other names: c.155G>T (NM_000428.2); short protein forms R52L.
Identifiers: ClinVar variation 2077577 (VCV002077577.5), dbSNP rs779060400, ClinGen allele CA7270256.

ClinVar aggregate classification (germline): Uncertain significance. Review status: criteria provided, multiple submitters, no conflicts (2 of 4 stars). 2 submissions from 2 submitters: Uncertain significance (2). Last evaluated 2025-01-09.

Conditions:
Inborn genetic diseases. Identifiers: MedGen C0950123, MeSH D030342.

Allele frequency attached by ClinVar (database versions not stated): TOPMed below 0.00001; ExAC 0.00001; gnomAD 0.00001.
gnomAD v4.1: 3 of 1,610,704 alleles (0.00019%); highest among the groups gnomAD compares: Admixed American, 0.0033%; no homozygotes.

Submissions (2):

Ambry Genetics
Classification: Uncertain significance for Inborn genetic diseases. Last evaluated: 2025-01-09. Review status: criteria provided, single submitter. Criteria: Ambry Variant Classification Scheme 2023. Collection method: clinical testing. Allele origin: germline.

Labcorp Genetics (formerly Invitae), Labcorp
Classification: Uncertain significance. Last evaluated: 2022-06-09. Review status: criteria provided, single submitter. Criteria: Invitae Variant Classification Sherloc (09022015). Collection method: clinical testing. Allele origin: germline.
Comment: In summary, the available evidence is currently insufficient to determine the role of this variant in disease. Therefore, it has been classified as a Variant of Uncertain Significance. Algorithms developed to predict the effect of missense changes on protein structure and function are either unavailable or do not agree on the potential impact of this missense change (SIFT: "Deleterious"; PolyPhen-2: "Benign"; Align-GVGD: "Class C65"). This variant has not been reported in the literature in individuals affected with LTBP2-related conditions. The frequency data for this variant in the population databases is considered unreliable, as metrics indicate poor data quality at this position in the gnomAD database. This sequence change replaces arginine, which is basic and polar, with leucine, which is neutral and non-polar, at codon 52 of the LTBP2 protein (p.Arg52Leu).